The following is an entry in ClinVar:

NM_001457.4(FLNB):c.1843G>A (p.Glu615Lys)

Gene: FLNB (filamin B; plus strand). Cytogenetic location: 3p14.3.
Variant type: single nucleotide variant.
Coding change: c.1843G>A on transcript NM_001457.4 (MANE Select); coding-DNA position 1843, G replaced by A.
Protein change: p.Glu615Lys; replaces glutamic acid 615 with lysine.
Molecular consequence: missense variant.
Genome position (GRCh38, 1-based): chr3:58,106,775, G>A. VCF-style: chr3-58106775-G-A. GRCh37 (hg19) VCF-style: chr3-58092502-G-A.
Other names: c.1843G>A, p.Glu615Lys (NM_001164317.2, NM_001164318.2, NM_001164319.2); short protein forms E615K.
Identifiers: ClinVar variation 3678069 (VCV003678069.2).
Genomic context (GRCh38, chr3:58,106,775, plus strand): 5'-GAGTACAACGACCAGAATGATGGATCGTGTGATGTCAAATACTGGCCCAAGGAGCCTGGC[G>A]AATATGCTGTTCACATCATGTGTGACGACGAAGACATCAAGGACAGCCCGTACATGGCCT-3'
Protein context (NP_001448.2, residues 605-625): DVKYWPKEPG[Glu615Lys]YAVHIMCDDE

ClinVar aggregate classification (germline): Uncertain significance (1 of 4 stars; one submission).

gnomAD v4.1: 5 of 1,614,042 alleles (0.00031%); highest among the groups gnomAD compares: African/African-American, 0.0013%; no homozygotes.

Submission:

Labcorp Genetics (formerly Invitae), Labcorp
Classification: Uncertain significance. Last evaluated: 2025-01-07. Review status: criteria provided, single submitter. Criteria: Invitae Variant Classification Sherloc (09022015). Collection method: clinical testing. Allele origin: germline.
Comment: This sequence change replaces glutamic acid, which is acidic and polar, with lysine, which is basic and polar, at codon 615 of the FLNB protein (p.Glu615Lys). This variant is present in population databases (rs758230977, gnomAD 0.0009%). This variant has not been reported in the literature in individuals affected with FLNB-related conditions. Invitae Evidence Modeling of protein sequence and biophysical properties (such as structural, functional, and spatial information, amino acid conservation, physicochemical variation, residue mobility, and thermodynamic stability) indicates that this missense variant is not expected to disrupt FLNB protein function with a negative predictive value of 95%. In summary, the available evidence is currently insufficient to determine the role of this variant in disease. Therefore, it has been classified as a Variant of Uncertain Significance.